The following is an entry in ClinVar:

ClinVar aggregate classification (germline): Uncertain significance (1 of 4 stars; one submission).

Conditions:
Hereditary cancer-predisposing syndrome. Also called: Neoplastic Syndromes, Hereditary; Tumor predisposition; Hereditary Cancer Syndrome; Hereditary neoplastic syndrome. Identifiers: Orphanet 140162, MedGen C0027672, MeSH D009386, MONDO:0015356.

Submission:

Ambry Genetics
Classification: Uncertain significance for Hereditary cancer-predisposing syndrome. Last evaluated: 2026-02-17. Review status: criteria provided, single submitter. Criteria: Ambry Variant Classification Scheme 2023. Collection method: clinical testing. Allele origin: germline.
Comment: The p.F1823L variant (also known as c.5469C>G), located in coding exon 15 of the APC gene, results from a C to G substitution at nucleotide position 5469. The phenylalanine at codon 1823 is replaced by leucine, an amino acid with highly similar properties. This amino acid position is not well conserved in available vertebrate species. In addition, in silico predictors for this gene do not accurately predict pathogenicity. Missense variants in APC are not a common cause of disease (Spier I et al. Genet Med. 2024 Feb;26(2):100992). Based on the available evidence, the clinical significance of this variant remains unclear.

NM_000038.6(APC):c.5469C>G (p.Phe1823Leu)

Gene: APC (APC regulator of Wnt signaling pathway; plus strand). Cytogenetic location: 5q22.2.
Variant type: single nucleotide variant.
Coding change: c.5469C>G on transcript NM_000038.6 (MANE Select); coding-DNA position 5469, C replaced by G.
Protein change: p.Phe1823Leu; replaces phenylalanine 1823 with leucine.
Molecular consequence: missense variant. On other transcripts: non-coding transcript variant (2).
Genome position (GRCh38, 1-based): chr5:112,841,063, C>G. VCF-style: chr5-112841063-C-G. GRCh37 (hg19) VCF-style: chr5-112176760-C-G.
Other names: c.5469C>G, p.Phe1823Leu (NM_001127510.3, NM_001354895.2, NM_001407450.1); c.5415C>G, p.Phe1805Leu (NM_001127511.3); c.5523C>G, p.Phe1841Leu (NM_001354896.2, NM_001407447.1, NM_001407448.1 and 1 more transcripts); c.5499C>G, p.Phe1833Leu (NM_001354897.2); c.5394C>G, p.Phe1798Leu (NM_001354898.2); c.5385C>G, p.Phe1795Leu (NM_001354899.2); c.5346C>G, p.Phe1782Leu (NM_001354900.2); c.5292C>G, p.Phe1764Leu (NM_001354901.2, NM_001407453.1); and 11 more; short protein forms F1439L, F1764L, F1782L, F1795L, F1805L, F1816L, F1851L, F1663L.
Identifiers: ClinVar variation 4825039 (VCV004825039.1).